The following is an entry in ClinVar:

NM_004415.4(DSP):c.1911A>T (p.Thr637=)

Gene: DSP (desmoplakin; plus strand). Cytogenetic location: 6p24.3.
Variant type: single nucleotide variant.
Coding change: c.1911A>T on transcript NM_004415.4 (MANE Select); coding-DNA position 1911, A replaced by T.
Protein change: p.Thr637=; no amino-acid change (threonine 637 retained).
Molecular consequence: synonymous variant.
Genome position (GRCh38, 1-based): chr6:7,571,849, A>T. VCF-style: chr6-7571849-A-T. GRCh37 (hg19) VCF-style: chr6-7572082-A-T.
Other names: c.1911A>T, p.Thr637= (NM_001008844.3, NM_001319034.2).
Identifiers: ClinVar variation 3070080 (VCV003070080.1), dbSNP rs2533896125, ClinGen allele CA448713923.

ClinVar aggregate classification (germline): Likely benign (1 of 4 stars; one submission).

Conditions:
Arrhythmogenic cardiomyopathy with wooly hair and keratoderma. Also called: Carvajal syndrome; PALMOPLANTAR KERATODERMA WITH LEFT VENTRICULAR CARDIOMYOPATHY AND WOOLLY HAIR; Dilated cardiomyopathy with woolly hair and keratoderma; Arrhythmogenic cardiomyopathy with woolly hair and keratoderma. Identifiers: Orphanet 65282, MedGen C1854063, MONDO:0011581, OMIM 605676.

Submission:

All of Us Research Program, National Institutes of Health
Classification: Likely benign for Arrhythmogenic cardiomyopathy with wooly hair and keratoderma. Last evaluated: 2023-04-03. Review status: criteria provided, single submitter. Criteria: ACMG Guidelines, 2015. Collection method: clinical testing. Allele origin: germline. Inheritance: Autosomal dominant inheritance. Observed: 1 variant allele, 1 heterozygote.
Comment: This study involves interpretation of variants in research participants for the purpose of population health screening. Participant phenotype was not available at the time of variant classification. Additional details can be found in publication PMID: 35346344, PMCID: PMC8962531